The following is an entry in ClinVar:

NM_000179.3(MSH6):c.3838C>T (p.Gln1280Ter)

Gene: MSH6 (mutS homolog 6; plus strand). Cytogenetic location: 2p16.3.
Variant type: single nucleotide variant.
Coding change: c.3838C>T on transcript NM_000179.3 (MANE Select); coding-DNA position 3838, C replaced by T.
Protein change: p.Gln1280Ter; replaces glutamine 1280 with a stop codon.
Molecular consequence: nonsense.
Genome position (GRCh38, 1-based): chr2:47,806,488, C>T. VCF-style: chr2-47806488-C-T. GRCh37 (hg19) VCF-style: chr2-48033627-C-T.
Other names: c.2932C>T, p.Gln978Ter (NM_001281493.2, NM_001281494.2); c.3448C>T, p.Gln1150Ter (NM_001281492.2); short protein forms Q1280*, Q1150*, Q978*.
Identifiers: ClinVar variation 89472 (VCV000089472.18), dbSNP rs63750139, ClinGen allele CA014495.

ClinVar aggregate classification (germline): Pathogenic. Review status: reviewed by expert panel (3 of 4 stars). 8 submissions from 8 submitters: Pathogenic (1). 7 of the submissions do not count toward it. Last evaluated 2013-09-05.

Conditions:
Hereditary cancer-predisposing syndrome. Also called: Tumor predisposition; Hereditary Cancer Syndrome; Hereditary neoplastic syndrome; Neoplastic Syndromes, Hereditary. Identifiers: Orphanet 140162, MedGen C0027672, MeSH D009386, MONDO:0015356.
Lynch syndrome. Identifiers: Orphanet 144, MedGen C4552100, MONDO:0005835. Disease mechanism: loss of function.
Lynch syndrome 5 (LYNCH5). Also called: Colorectal cancer, hereditary nonpolyposis, type 5; Hereditary non-polyposis colorectal cancer, type 5. Identifiers: Orphanet 144, MedGen C1833477, MONDO:0013710, OMIM 614350. Disease mechanism: loss of function.
Hereditary nonpolyposis colorectal neoplasms. Identifiers: MedGen C0009405, MeSH D003123.

Submissions (8):

International Society for Gastrointestinal Hereditary Tumours (InSiGHT)
Classification: Pathogenic for Lynch Syndrome. Last evaluated: 2013-09-05. Review status: reviewed by expert panel. Criteria: Guidelines v1.9. Collection method: research. Allele origin: germline.
Comment: Coding sequence variation resulting in a stop codon

Classified with v1.9 guidelines

Labcorp Genetics (formerly Invitae), Labcorp
Classification: Pathogenic for Hereditary nonpolyposis colorectal neoplasms. Last evaluated: 2025-01-30. Review status: criteria provided, single submitter. Criteria: Invitae Variant Classification Sherloc (09022015). Collection method: clinical testing. Allele origin: germline. Not counted in ClinVar's aggregate classification.
Comment: This sequence change creates a premature translational stop signal (p.Gln1280*) in the MSH6 gene. It is expected to result in an absent or disrupted protein product. Loss-of-function variants in MSH6 are known to be pathogenic (PMID: 18269114, 24362816). This variant is not present in population databases (gnomAD no frequency). This premature translational stop signal has been observed in individual(s) with clinical features of Lynch syndrome (PMID: 11709755, 26517685). ClinVar contains an entry for this variant (Variation ID: 89472). Algorithms developed to predict the effect of sequence changes on RNA splicing suggest that this variant may disrupt the consensus splice site. For these reasons, this variant has been classified as Pathogenic.

Ambry Genetics
Classification: Pathogenic for Hereditary cancer-predisposing syndrome. Last evaluated: 2023-10-12. Review status: criteria provided, single submitter. Criteria: Ambry Variant Classification Scheme 2023. Collection method: clinical testing. Allele origin: germline. Not counted in ClinVar's aggregate classification.
Comment: The p.Q1280* pathogenic mutation (also known as c.3838C>T), located in coding exon 9 of the MSH6 gene, results from a C to T substitution at nucleotide position 3838. This changes the amino acid from a glutamine to a stop codon within coding exon 9. This variant has been reported in patients with histories that are consistent with Hereditary Non-Polyposis Colorectal Cancer (HNPCC) syndrome (Berends MJ et al. Am. J. Hum. Genet. 2002 Jan;70:26-37; Plaschke J et al. J. Clin. Oncol. 2004 Nov;22:4486-94; Kets CM et al. Br. J. Cancer. 2006 Dec;95:1678-82; J&oacute;ri B et al. Oncotarget. 2015 Dec;6:41108-22). It has also been reported, in the homozygous state, in a patient with constitutional mismatch repair deficiency (CMMRD) syndrome (Gallon R et al. Hum. Mutat. 2019 05;40:649-655). In addition to the clinical data presented in the literature, this alteration is expected to result in loss of function by premature protein truncation or nonsense-mediated mRNA decay. As such, this alteration is interpreted as a disease-causing mutation.

Myriad Genetics, Inc.
Classification: Pathogenic for Lynch syndrome 5. Last evaluated: 2023-08-25. Review status: criteria provided, single submitter. Criteria: Myriad Autosomal Dominant, Autosomal Recessive and X-Linked Classification Criteria (2023). Collection method: clinical testing. Allele origin: unknown. Not counted in ClinVar's aggregate classification.
Comment: This variant is considered pathogenic. This variant creates a termination codon and is predicted to result in premature protein truncation.

Clinical Genetics DNA and cytogenetics Diagnostics Lab, Erasmus MC, Erasmus Medical Center
Classification: Pathogenic for Lynch syndrome 5. Last evaluated: 2015-09-21. Review status: criteria provided, single submitter. Criteria: ACGS Guidelines, 2013. Collection method: clinical testing. Allele origin: germline. Affected: yes. Study: VKGL Data-share Consensus. Not counted in ClinVar's aggregate classification.

Genome Diagnostics Laboratory, University Medical Center Utrecht
Classification: Pathogenic for Lynch syndrome 5. Last evaluated: 2014-10-08. Review status: criteria provided, single submitter. Criteria: ACGS Guidelines, 2013. Collection method: clinical testing. Allele origin: germline. Affected: yes. Study: VKGL Data-share Consensus. Not counted in ClinVar's aggregate classification.

Diagnostic Laboratory, Department of Genetics, University Medical Center Groningen
Classification: Pathogenic for Lynch syndrome 5. Review status: no assertion criteria provided. Collection method: clinical testing. Allele origin: germline. Affected: yes. Study: VKGL Data-share Consensus. Not counted in ClinVar's aggregate classification.

Joint Genome Diagnostic Labs from Nijmegen and Maastricht, Radboudumc and MUMC+
Classification: Pathogenic. Review status: no assertion criteria provided. Collection method: clinical testing. Allele origin: germline. Affected: yes. Study: VKGL Data-share Consensus. Not counted in ClinVar's aggregate classification.

Literature cited by the submitters: PubMed 18269114 (cited by Labcorp Genetics (formerly Invitae), Labcorp); PubMed 24362816 (cited by Labcorp Genetics (formerly Invitae), Labcorp); PubMed 11709755 (cited by Labcorp Genetics (formerly Invitae), Labcorp and Ambry Genetics); PubMed 26517685 (cited by Labcorp Genetics (formerly Invitae), Labcorp and Ambry Genetics); PubMed 15483016 (cited by Ambry Genetics); PubMed 17117178 (cited by Ambry Genetics); PubMed 30740824 (cited by Ambry Genetics).